The following is an entry in ClinVar:

NM_014683.4(ULK2):c.1499A>C (p.Asp500Ala)

Gene: ULK2 (unc-51 like autophagy activating kinase 2; minus strand). Cytogenetic location: 17p11.2.
Variant type: single nucleotide variant.
Coding change: c.1499A>C on transcript NM_014683.4 (MANE Select); coding-DNA position 1499, A replaced by C.
Protein change: p.Asp500Ala; replaces aspartic acid 500 with alanine.
Molecular consequence: missense variant.
Genome position (GRCh38, 1-based): chr17:19,799,518, T>G on the plus strand (A>C on the coding strand, the complement: ULK2 is on the minus strand). VCF-style: chr17-19799518-T-G. GRCh37 (hg19) VCF-style: chr17-19702831-T-G.
Other names: c.1499A>C, p.Asp500Ala (NM_001142610.2); short protein forms D500A.
Identifiers: ClinVar variation 3770556 (VCV003770556.13).

ClinVar aggregate classification (germline): Likely benign (1 of 4 stars; one submission).

gnomAD v4.1: 7,752 of 1,583,494 alleles (0.49%); highest among the groups gnomAD compares: Non-Finnish European, 0.6%; 25 homozygotes.

Submission:

CeGaT Center for Human Genetics Tuebingen
Classification: Likely benign. Last evaluated: 2025-01-01. Review status: criteria provided, single submitter. Criteria: CeGaT Center For Human Genetics Tuebingen Variant Classification Criteria Version 2. Collection method: clinical testing. Allele origin: germline. Affected: yes. Observed: 1 variant allele.
Comment: ULK2: BP4, BS2